The following is an entry in ClinVar:

NM_182961.4(SYNE1):c.20648G>A (p.Arg6883His)

Gene: SYNE1 (spectrin repeat containing nuclear envelope protein 1; minus strand). Cytogenetic location: 6q25.2.
Variant type: single nucleotide variant.
Coding change: c.20648G>A on transcript NM_182961.4 (MANE Select); coding-DNA position 20648, G replaced by A.
Protein change: p.Arg6883His; replaces arginine 6883 with histidine.
Molecular consequence: missense variant.
Genome position (GRCh38, 1-based): chr6:152,233,845, C>T on the plus strand (G>A on the coding strand, the complement: SYNE1 is on the minus strand). VCF-style: chr6-152233845-C-T. GRCh37 (hg19) VCF-style: chr6-152554980-C-T.
Other names: c.20435G>A, p.Arg6812His (NM_033071.5); c.20435G>A (NM_033071.3); short protein forms R6883H, R6812H.
Identifiers: ClinVar variation 1445498 (VCV001445498.10), dbSNP rs758105121, ClinGen allele CA4054369.
Genomic context (GRCh38, chr6:152,233,845, plus strand): 5'-TGGAGCTTCTCCTGGACGGCTGGGATATTGGTTAGCAGGTCAGTCCACTGGCTATCAATG[C>T]GCGACAGCTCAGAGCGCAGCGTGGCTGTGTCCACCTTTTTTAGTCGAAGGAGCTGATTTC-3'
Protein context (NP_892006.3, residues 6873-6893): DTATLRSELS[Arg6883His]IDSQWTDLLT

ClinVar aggregate classification (germline): Uncertain significance. Review status: criteria provided, multiple submitters, no conflicts (2 of 4 stars). 2 submissions from 2 submitters: Uncertain significance (2). Last evaluated 2023-08-02.

Conditions:
Emery-Dreifuss muscular dystrophy 4, autosomal dominant (EDMD4). Also called: EMERY-DREIFUSS MUSCULAR DYSTROPHY 4 WITH VARIABLE FEATURES. Identifiers: Orphanet 261, MedGen C2751807, MONDO:0013071, OMIM 612998.
Autosomal recessive ataxia, Beauce type. Also called: Spinocerebellar ataxia, autosomal recessive 8; ATAXIA, RECESSIVE, OF BEAUCE; SYNE1 Deficiency; SYNE1-Related Autosomal Recessive Cerebellar Ataxia. Identifiers: Orphanet 88644, MedGen C1853116, MONDO:0012549, OMIM 610743.

gnomAD v4.1: 13 of 1,614,046 alleles (0.00081%); highest among the groups gnomAD compares: African/African-American, 0.0013%; no homozygotes.

Submissions (2):

Revvity Omics, Revvity
Classification: Uncertain significance. Last evaluated: 2023-08-02. Review status: criteria provided, single submitter. Criteria: ACMG Guidelines, 2015. Collection method: clinical testing. Allele origin: germline.

Labcorp Genetics (formerly Invitae), Labcorp
Classification: Uncertain significance for Emery-Dreifuss muscular dystrophy 4, autosomal dominant; Autosomal recessive ataxia, Beauce type. Last evaluated: 2021-03-07. Review status: criteria provided, single submitter. Criteria: Invitae Variant Classification Sherloc (09022015). Collection method: clinical testing. Allele origin: germline.
Comment: In summary, the available evidence is currently insufficient to determine the role of this variant in disease. Therefore, it has been classified as a Variant of Uncertain Significance. Algorithms developed to predict the effect of missense changes on protein structure and function output the following: SIFT: "Tolerated"; PolyPhen-2: "Benign"; Align-GVGD: "Class C0". The histidine amino acid residue is found in multiple mammalian species, suggesting that this missense change does not adversely affect protein function. These predictions have not been confirmed by published functional studies and their clinical significance is uncertain. This variant has not been reported in the literature in individuals with SYNE1-related conditions. This variant is present in population databases (rs758105121, ExAC 0.006%). This sequence change replaces arginine with histidine at codon 6812 of the SYNE1 protein (p.Arg6812His). The arginine residue is weakly conserved and there is a small physicochemical difference between arginine and histidine.